The following is an entry in ClinVar:

ClinVar aggregate classification (germline): Uncertain significance (1 of 4 stars; one submission).

Submission:

GeneDx
Classification: Uncertain significance. Last evaluated: 2025-05-08. Review status: criteria provided, single submitter. Criteria: GeneDx Variant Classification Process June 2021. Collection method: clinical testing. Allele origin: germline. Affected: yes.
Comment: Identified in an individual from a cohort with severe adolescent idiopathic scoliosis in published literature, but familial segregation information and additional clinical information was not included (PMID: 24833718); Not observed at significant frequency in large population cohorts (gnomAD); In silico analysis suggests that this missense variant does not alter protein structure/function; This variant is associated with the following publications: (PMID: 24833718)

NM_001999.4(FBN2):c.275G>A (p.Arg92Lys)

Gene: FBN2 (fibrillin 2; minus strand). Cytogenetic location: 5q23.3.
Variant type: single nucleotide variant.
Coding change: c.275G>A on transcript NM_001999.4 (MANE Select); coding-DNA position 275, G replaced by A.
Protein change: p.Arg92Lys; replaces arginine 92 with lysine.
Molecular consequence: missense variant.
Genome position (GRCh38, 1-based): chr5:128,536,464, C>T on the plus strand (G>A on the coding strand, the complement: FBN2 is on the minus strand). VCF-style: chr5-128536464-C-T. GRCh37 (hg19) VCF-style: chr5-127872157-C-T.
Other names: short protein forms R92K.
Identifiers: ClinVar variation 4528239 (VCV004528239.1).